The following is an entry in ClinVar:

ClinVar aggregate classification (germline): Uncertain significance (1 of 4 stars; one submission).

Allele frequency attached by ClinVar (database versions not stated): ExAC 0.00001; gnomAD exomes 0.00001; TOPMed 0.00001.

Submission:

Labcorp Genetics (formerly Invitae), Labcorp
Classification: Uncertain significance. Last evaluated: 2022-08-05. Review status: criteria provided, single submitter. Criteria: Invitae Variant Classification Sherloc (09022015). Collection method: clinical testing. Allele origin: germline.
Comment: In summary, the available evidence is currently insufficient to determine the role of this variant in disease. Therefore, it has been classified as a Variant of Uncertain Significance. Algorithms developed to predict the effect of missense changes on protein structure and function (SIFT, PolyPhen-2, Align-GVGD) all suggest that this variant is likely to be disruptive. This variant has not been reported in the literature in individuals affected with RASGRP2-related conditions. This variant is present in population databases (rs71583719, gnomAD 0.002%). This sequence change replaces arginine, which is basic and polar, with tryptophan, which is neutral and slightly polar, at codon 384 of the RASGRP2 protein (p.Arg384Trp).

NM_001098671.2(RASGRP2):c.1150C>T (p.Arg384Trp)

Gene: RASGRP2 (RAS guanyl releasing protein 2; minus strand). Cytogenetic location: 11q13.1.
Variant type: single nucleotide variant.
Coding change: c.1150C>T on transcript NM_001098671.2 (MANE Select); coding-DNA position 1150, C replaced by T.
Protein change: p.Arg384Trp; replaces arginine 384 with tryptophan.
Molecular consequence: missense variant.
Genome position (GRCh38, 1-based): chr11:64,735,926, G>A on the plus strand (C>T on the coding strand, the complement: RASGRP2 is on the minus strand). VCF-style: chr11-64735926-G-A. GRCh37 (hg19) VCF-style: chr11-64503398-G-A.
Other names: c.1150C>T, p.Arg384Trp (NM_001098670.2, NM_153819.2); c.715C>T, p.Arg239Trp (NM_001318398.2); short protein forms R239W, R384W.
Identifiers: ClinVar variation 2173061 (VCV002173061.4), dbSNP rs71583719, ClinGen allele CA6079009.